The following is an entry in ClinVar:

NM_004237.4(TRIP13):c.1055C>T (p.Thr352Ile)

Gene: TRIP13 (thyroid hormone receptor interactor 13; plus strand). Cytogenetic location: 5p15.33.
Variant type: single nucleotide variant.
Coding change: c.1055C>T on transcript NM_004237.4 (MANE Select); coding-DNA position 1055, C replaced by T.
Protein change: p.Thr352Ile; replaces threonine 352 with isoleucine.
Molecular consequence: missense variant.
Genome position (GRCh38, 1-based): chr5:914,499, C>T. VCF-style: chr5-914499-C-T. GRCh37 (hg19) VCF-style: chr5-914614-C-T.
Other names: short protein forms T352I.
Identifiers: ClinVar variation 3670258 (VCV003670258.2).

ClinVar aggregate classification (germline): Uncertain significance (1 of 4 stars; one submission).

gnomAD v4.1: 10 of 1,613,484 alleles (0.00062%); highest among the groups gnomAD compares: Non-Finnish European, 0.00085%; no homozygotes.

Submission:

Labcorp Genetics (formerly Invitae), Labcorp
Classification: Uncertain significance. Last evaluated: 2025-07-08. Review status: criteria provided, single submitter. Criteria: Invitae Variant Classification Sherloc (09022015). Collection method: clinical testing. Allele origin: germline.
Comment: This sequence change replaces threonine, which is neutral and polar, with isoleucine, which is neutral and non-polar, at codon 352 of the TRIP13 protein (p.Thr352Ile). This variant is not present in population databases (gnomAD no frequency). This variant has not been reported in the literature in individuals affected with TRIP13-related conditions. ClinVar contains an entry for this variant (Variation ID: 3670258). An algorithm developed to predict the effect of missense changes on protein structure and function (PolyPhen-2) suggests that this variant is likely to be tolerated. In summary, the available evidence is currently insufficient to determine the role of this variant in disease. Therefore, it has been classified as a Variant of Uncertain Significance.